The following is an entry in ClinVar:

ClinVar aggregate classification (germline): Uncertain significance (1 of 4 stars; one submission).

Conditions:
Distal hereditary motor neuropathy type 2. Identifiers: Orphanet 139525, MedGen C3711384, MeSH C580044, MONDO:0015352.

Allele frequency attached by ClinVar (database versions not stated): gnomAD exomes 0.00001; gnomAD 0.00002; TOPMed 0.00005.
gnomAD v4.1: 9 of 1,614,038 alleles (0.00056%); highest among the groups gnomAD compares: African/African-American, 0.0067%; no homozygotes.

Submission:

Labcorp Genetics (formerly Invitae), Labcorp
Classification: Uncertain significance for Distal hereditary motor neuropathy type 2. Last evaluated: 2023-07-06. Review status: criteria provided, single submitter. Criteria: Invitae Variant Classification Sherloc (09022015). Collection method: clinical testing. Allele origin: germline.
Comment: This sequence change replaces aspartic acid, which is acidic and polar, with glycine, which is neutral and non-polar, at codon 793 of the FBXO38 protein (p.Asp793Gly). This variant is present in population databases (no rsID available, gnomAD 0.02%). This variant has not been reported in the literature in individuals affected with FBXO38-related conditions. Advanced modeling of protein sequence and biophysical properties (such as structural, functional, and spatial information, amino acid conservation, physicochemical variation, residue mobility, and thermodynamic stability) performed at Invitae indicates that this missense variant is not expected to disrupt FBXO38 protein function. In summary, the available evidence is currently insufficient to determine the role of this variant in disease. Therefore, it has been classified as a Variant of Uncertain Significance.

NM_205836.3(FBXO38):c.2378A>G (p.Asp793Gly)

Gene: FBXO38 (F-box protein 38; plus strand). Cytogenetic location: 5q32.
Variant type: single nucleotide variant.
Coding change: c.2378A>G on transcript NM_205836.3 (MANE Select); coding-DNA position 2378, A replaced by G.
Protein change: p.Asp793Gly; replaces aspartic acid 793 with glycine.
Molecular consequence: missense variant. On other transcripts: intron variant (1).
Genome position (GRCh38, 1-based): chr5:148,427,672, A>G. VCF-style: chr5-148427672-A-G. GRCh37 (hg19) VCF-style: chr5-147807235-A-G.
Other names: c.2378A>G, p.Asp793Gly (NM_030793.5); c.1918+1971A>G (NM_001271723.2); short protein forms D793G.
Identifiers: ClinVar variation 2851574 (VCV002851574.3), dbSNP rs867448350, ClinGen allele CA128950147.